The following is an entry in ClinVar:

ClinVar aggregate classification (germline): Uncertain significance (1 of 4 stars; one submission).

Conditions:
Dyskeratosis congenita. Identifiers: Orphanet 1775, MedGen C0265965, MONDO:0015780.

Submission:

Labcorp Genetics (formerly Invitae), Labcorp
Classification: Uncertain significance for Dyskeratosis congenita. Last evaluated: 2022-06-14. Review status: criteria provided, single submitter. Criteria: Invitae Variant Classification Sherloc (09022015). Collection method: clinical testing. Allele origin: germline.
Comment: In summary, the available evidence is currently insufficient to determine the role of this variant in disease. Therefore, it has been classified as a Variant of Uncertain Significance. Algorithms developed to predict the effect of missense changes on protein structure and function are either unavailable or do not agree on the potential impact of this missense change (SIFT: "Deleterious"; PolyPhen-2: "Probably Damaging"; Align-GVGD: "Class C0"). ClinVar contains an entry for this variant (Variation ID: 566809). This variant has not been reported in the literature in individuals affected with CTC1-related conditions. This variant is not present in population databases (gnomAD no frequency). This sequence change replaces proline, which is neutral and non-polar, with arginine, which is basic and polar, at codon 107 of the CTC1 protein (p.Pro107Arg).

NM_025099.6(CTC1):c.320C>G (p.Pro107Arg)

Gene: CTC1 (CST telomere replication complex component 1; minus strand). Cytogenetic location: 17p13.1.
Variant type: single nucleotide variant.
Coding change: c.320C>G on transcript NM_025099.6 (MANE Select); coding-DNA position 320, C replaced by G.
Protein change: p.Pro107Arg; replaces proline 107 with arginine.
Molecular consequence: missense variant. On other transcripts: non-coding transcript variant (1).
Genome position (GRCh38, 1-based): chr17:8,238,507, G>C on the plus strand (C>G on the coding strand, the complement: CTC1 is on the minus strand). VCF-style: chr17-8238507-G-C. GRCh37 (hg19) VCF-style: chr17-8141825-G-C.
Other names: short protein forms P107R.
Identifiers: ClinVar variation 566809 (VCV000566809.8), dbSNP rs760362880, ClinGen allele CA397993538.